The following is an entry in ClinVar:

NM_001084.5(PLOD3):c.202-13A>G

Gene: PLOD3 (procollagen-lysine,2-oxoglutarate 5-dioxygenase 3; minus strand). Cytogenetic location: 7q22.1.
Variant type: single nucleotide variant.
Coding change: c.202-13A>G on transcript NM_001084.5 (MANE Select); 13 bases into the intron before coding-DNA position 202, A replaced by G.
Molecular consequence: intron variant.
Genome position (GRCh38, 1-based): chr7:101,216,559, T>C on the plus strand (A>G on the coding strand, the complement: PLOD3 is on the minus strand). VCF-style: chr7-101216559-T-C. GRCh37 (hg19) VCF-style: chr7-100859840-T-C.
Identifiers: ClinVar variation 1937592 (VCV001937592.5), dbSNP rs996945004, ClinGen allele CA163354405.
Genomic context (GRCh38, chr7:101,216,559, plus strand): 5'-TGTTCGAGCCACATCACCCCCTCGCCACTCCTCTCCCAGGCCCAGGGTCTGTGGAGAAGA[T>C]TGCCCCGTGCCAGGCAAGGGGTGGGGAGTTGTGGGGGGAACTCCTGACCAGGCTTACCGT-3'

ClinVar aggregate classification (germline): Uncertain significance (1 of 4 stars; one submission).

Allele frequency attached by ClinVar (database versions not stated): gnomAD exomes below 0.00001.
gnomAD v4.1: 1 of 1,613,906 alleles (0.000062%); highest among the groups gnomAD compares: Admixed American, 0.0017%; no homozygotes.

Submission:

Labcorp Genetics (formerly Invitae), Labcorp
Classification: Uncertain significance. Last evaluated: 2022-06-12. Review status: criteria provided, single submitter. Criteria: Invitae Variant Classification Sherloc (09022015). Collection method: clinical testing. Allele origin: germline.
Comment: This variant has not been reported in the literature in individuals affected with PLOD3-related conditions. In summary, the available evidence is currently insufficient to determine the role of this variant in disease. Therefore, it has been classified as a Variant of Uncertain Significance. Algorithms developed to predict the effect of sequence changes on RNA splicing suggest that this variant may disrupt the consensus splice site. This variant is present in population databases (no rsID available, gnomAD 0.003%). This sequence change falls in intron 2 of the PLOD3 gene. It does not directly change the encoded amino acid sequence of the PLOD3 protein.